The following is an entry in ClinVar:

NM_021020.5(LZTS1):c.652G>A (p.Val218Ile)

Gene: LZTS1 (leucine zipper tumor suppressor 1; minus strand). Cytogenetic location: 8p21.3.
Variant type: single nucleotide variant.
Coding change: c.652G>A on transcript NM_021020.5 (MANE Select); coding-DNA position 652, G replaced by A.
Protein change: p.Val218Ile; replaces valine 218 with isoleucine.
Molecular consequence: missense variant.
Genome position (GRCh38, 1-based): chr8:20,253,279, C>T on the plus strand (G>A on the coding strand, the complement: LZTS1 is on the minus strand). VCF-style: chr8-20253279-C-T. GRCh37 (hg19) VCF-style: chr8-20110790-C-T.
Other names: c.652G>A, p.Val218Ile (NM_001362884.2); short protein forms V218I.
Identifiers: ClinVar variation 3706102 (VCV003706102.2).
Genomic context (GRCh38, chr8:20,253,279, plus strand): 5'-TGCTACCTCCGTCGGAGAAGGACAGAGCCTTCAGGCTCATCATGTTGCTGTCCTGGAGGA[C>T]GATGCCCTGGGTGATGTTGTGGGCGGAGCCCCCAAAACGGCTTGTGGGTCCCACGGGTGT-3'
Protein context (NP_066300.1, residues 208-228): GSAHNITQGI[Val218Ile]LQDSNMMSLK

ClinVar aggregate classification (germline): Uncertain significance (1 of 4 stars; one submission).

gnomAD v4.1: 14 of 1,613,972 alleles (0.00087%); highest among the groups gnomAD compares: East Asian, 0.0089%; no homozygotes.

Submission:

Labcorp Genetics (formerly Invitae), Labcorp
Classification: Uncertain significance. Last evaluated: 2024-02-18. Review status: criteria provided, single submitter. Criteria: Invitae Variant Classification Sherloc (09022015). Collection method: clinical testing. Allele origin: germline.
Comment: This sequence change replaces valine, which is neutral and non-polar, with isoleucine, which is neutral and non-polar, at codon 218 of the LZTS1 protein (p.Val218Ile). This variant is present in population databases (rs765881042, gnomAD 0.01%). This variant has not been reported in the literature in individuals affected with LZTS1-related conditions. Advanced modeling of protein sequence and biophysical properties (such as structural, functional, and spatial information, amino acid conservation, physicochemical variation, residue mobility, and thermodynamic stability) performed at Invitae indicates that this missense variant is not expected to disrupt LZTS1 protein function with a negative predictive value of 80%. In summary, the available evidence is currently insufficient to determine the role of this variant in disease. Therefore, it has been classified as a Variant of Uncertain Significance.